The following is an entry in ClinVar:

ClinVar aggregate classification (germline): Conflicting classifications of pathogenicity. Review status: criteria provided, conflicting classifications (1 of 4 stars). 3 submissions from 3 submitters: Uncertain significance (2); Likely benign (1). Last evaluated 2026-01-11.

Allele frequency attached by ClinVar (database versions not stated): gnomAD 0.00002 and 0.00005; TOPMed 0.00006; gnomAD exomes 0.00007 and 0.00015; ExAC 0.00019.
gnomAD v4.1: 112 of 1,613,812 alleles (0.0069%); highest among the groups gnomAD compares: South Asian, 0.087%; 2 homozygotes.

Submissions (3):

Labcorp Genetics (formerly Invitae), Labcorp
Classification: Uncertain significance. Last evaluated: 2026-01-11. Review status: criteria provided, single submitter. Criteria: Invitae Variant Classification Sherloc (09022015). Collection method: clinical testing. Allele origin: germline.
Comment: This sequence change replaces glycine, which is neutral and non-polar, with serine, which is neutral and polar, at codon 694 of the IMPG1 protein (p.Gly694Ser). This variant is present in population databases (rs778381530, gnomAD 0.1%). This variant has not been reported in the literature in individuals affected with IMPG1-related conditions. ClinVar contains an entry for this variant (Variation ID: 1497082). An algorithm developed to predict the effect of missense changes on protein structure and function outputs the following: PolyPhen-2: "Benign". The serine amino acid residue is found in multiple mammalian species, which suggests that this missense change does not adversely affect protein function. In summary, the available evidence is currently insufficient to determine the role of this variant in disease. Therefore, it has been classified as a Variant of Uncertain Significance.

Ambry Genetics
Classification: Uncertain significance. Last evaluated: 2025-02-04. Review status: criteria provided, single submitter. Criteria: Ambry Variant Classification Scheme 2023. Collection method: clinical testing. Allele origin: germline.

Blueprint Genetics
Classification: Likely benign. Last evaluated: 2024-08-01. Review status: criteria provided, single submitter. Criteria: ACMG Guidelines, 2015. Collection method: clinical testing. Allele origin: germline.

NM_001563.4(IMPG1):c.2080G>A (p.Gly694Ser)

Gene: IMPG1 (interphotoreceptor matrix proteoglycan 1; minus strand). Cytogenetic location: 6q14.1.
Variant type: single nucleotide variant.
Coding change: c.2080G>A on transcript NM_001563.4 (MANE Select); coding-DNA position 2080, G replaced by A.
Protein change: p.Gly694Ser; replaces glycine 694 with serine.
Molecular consequence: missense variant.
Genome position (GRCh38, 1-based): chr6:75,931,116, C>T on the plus strand (G>A on the coding strand, the complement: IMPG1 is on the minus strand). VCF-style: chr6-75931116-C-T. GRCh37 (hg19) VCF-style: chr6-76640833-C-T.
Other names: c.1846G>A, p.Gly616Ser (NM_001282368.2); c.2080G>A (NM_001563.2); short protein forms G616S, G694S.
Identifiers: ClinVar variation 1497082 (VCV001497082.10), dbSNP rs778381530, ClinGen allele CA3897934.